The following is an entry in ClinVar:

ClinVar aggregate classification (germline): Uncertain significance (1 of 4 stars; one submission).

Conditions:
Malignant hyperthermia, susceptibility to, 1 (MHS1). Also called: RYR1-Related Malignant Hyperthermia Susceptibility; Anesthesia related hyperthermia; Malignant hyperpyrexia; Fulminating hyperpyrexia; Pharmacogenic myopathy; Malignant hyperthermia suceptibility 1. Identifiers: Orphanet 423, MedGen C2930980, MONDO:0007783, OMIM 145600.

Submission:

All of Us Research Program, National Institutes of Health
Classification: Uncertain significance for Malignant hyperthermia, susceptibility to, 1. Last evaluated: 2023-03-09. Review status: criteria provided, single submitter. Criteria: ACMG Guidelines, 2015. Collection method: clinical testing. Allele origin: germline. Inheritance: Autosomal dominant inheritance. Observed: 1 variant allele, 1 heterozygote.
Comment: This missense variant replaces methionine with valine at codon 4888 of the RYR1 protein. Computational prediction suggests that this variant may have deleterious impact on protein structure and function (internally defined REVEL score threshold >= 0.7, PMID: 27666373). To our knowledge, functional studies have not been reported for this variant. This variant has not been reported in individuals affected with RYR1-related disorders in the literature. This variant has not been identified in the general population by the Genome Aggregation Database (gnomAD). The available evidence is insufficient to determine the role of this variant in disease conclusively. Therefore, this variant is classified as a Variant of Uncertain Significance.

This study involves interpretation of variants in research participants for the purpose of population health screening. Participant phenotype was not available at the time of variant classification. Additional details can be found in publication PMID: 35346344, PMCID: PMC8962531

NM_000540.3(RYR1):c.14662A>G (p.Met4888Val)

Gene: RYR1 (ryanodine receptor 1; plus strand). Cytogenetic location: 19q13.2.
Variant type: single nucleotide variant.
Coding change: c.14662A>G on transcript NM_000540.3 (MANE Select); coding-DNA position 14662, A replaced by G.
Protein change: p.Met4888Val; replaces methionine 4888 with valine.
Molecular consequence: missense variant.
Genome position (GRCh38, 1-based): chr19:38,584,958, A>G. VCF-style: chr19-38584958-A-G. GRCh37 (hg19) VCF-style: chr19-39075598-A-G.
Other names: c.14647A>G, p.Met4883Val (NM_001042723.2); short protein forms M4883V, M4888V.
Identifiers: ClinVar variation 3069822 (VCV003069822.1), dbSNP rs1599674094, ClinGen allele CA405690133.